The following is an entry in ClinVar:

ClinVar aggregate classification (germline): Uncertain significance (1 of 4 stars; one submission).

Conditions:
AFF4-related disorder. Also called: AFF4-related condition.

gnomAD v4.1: 2 of 1,605,128 alleles (0.00012%); highest among the groups gnomAD compares: Non-Finnish European, 0.00017%; no homozygotes.

Submission:

PreventionGenetics, part of Exact Sciences
Classification: Uncertain significance for AFF4-related condition. Last evaluated: 2026-04-15. Review status: criteria provided, single submitter. Criteria: ACMG Guidelines, 2015. Collection method: clinical testing. Allele origin: germline.
Comment: The AFF4 c.944G>T variant is predicted to result in the amino acid substitution p.Cys315Phe. To our knowledge, this variant has not been reported in the literature or in a large population database (gnomAD), indicating this variant is rare. At this time, the clinical significance of this variant is uncertain due to the absence of conclusive functional and genetic evidence.

NM_014423.4(AFF4):c.944G>T (p.Cys315Phe)

Gene: AFF4 (ALF transcription elongation factor 4; minus strand). Cytogenetic location: 5q31.1.
Variant type: single nucleotide variant.
Coding change: c.944G>T on transcript NM_014423.4 (MANE Select); coding-DNA position 944, G replaced by T.
Protein change: p.Cys315Phe; replaces cysteine 315 with phenylalanine.
Molecular consequence: missense variant.
Genome position (GRCh38, 1-based): chr5:132,932,197, C>A on the plus strand (G>T on the coding strand, the complement: AFF4 is on the minus strand). VCF-style: chr5-132932197-C-A. GRCh37 (hg19) VCF-style: chr5-132267889-C-A.
Other names: short protein forms C315F.
Identifiers: ClinVar variation 4982456 (VCV004982456.1).